The following is an entry in ClinVar:

NM_001277115.2(DNAH11):c.5924+1G>C

Gene: DNAH11 (dynein axonemal heavy chain 11; plus strand). Cytogenetic location: 7p15.3.
Variant type: single nucleotide variant.
Coding change: c.5924+1G>C on transcript NM_001277115.2 (MANE Select); the canonical splice donor site of the intron after coding-DNA position 5924, G replaced by C.
Molecular consequence: splice donor variant.
Genome position (GRCh38, 1-based): chr7:21,687,528, G>C. VCF-style: chr7-21687528-G-C. GRCh37 (hg19) VCF-style: chr7-21727146-G-C.
Identifiers: ClinVar variation 265099 (VCV000265099.16), dbSNP rs886039340, ClinGen allele CA10588422.
Genomic context (GRCh38, chr7:21,687,528, plus strand): 5'-GTCAGTGGTGGCAGTACAAGTGAAAATGATTCATGATGCCATCAGAAACAGGAAGAAGAG[G>C]TGAGTGGCATGCAGGCTATCTCTTGTTACAAATAGAAAAACATGGAATAATGCAGGTAAC-3'

ClinVar aggregate classification (germline): Pathogenic. Review status: criteria provided, multiple submitters, no conflicts (2 of 4 stars). 3 submissions from 3 submitters: Pathogenic (3). Last evaluated 2026-06-12.

Conditions:
DNAH11-related disorder. Also called: DNAH11-related condition.
Primary ciliary dyskinesia. Also called: Ciliary dyskinesia. Identifiers: Orphanet 244, MedGen C0008780, MONDO:0016575, HP:0012265.

Allele frequency attached by ClinVar (database versions not stated): gnomAD exomes 0.00001.
gnomAD v4.1: 8 of 1,612,984 alleles (0.0005%); highest among the groups gnomAD compares: Middle Eastern, 0.13%; no homozygotes.

Submissions (3):

PreventionGenetics, part of Exact Sciences
Classification: Pathogenic for DNAH11-related condition. Last evaluated: 2026-06-12. Review status: criteria provided, single submitter. Criteria: ACMG Guidelines, 2015. Collection method: clinical testing. Allele origin: germline.
Comment: The DNAH11 c.5924+1G>C variant is predicted to disrupt the GT donor site and interfere with normal splicing. This variant has been reported in the homozygous state in individuals with a diagnosis or clinical features consistent with primary ciliary dyskinesia (PCD) (Shamseldin et al. 2020. PubMed ID: 32367404; Internal Data, PreventionGenetics). This variant has not been reported in a large population database (gnomAD), indicating this variant is rare. Variants that disrupt the consensus splice donor site in DNAH11 are expected to be pathogenic. This variant is interpreted as pathogenic.

Labcorp Genetics (formerly Invitae), Labcorp
Classification: Pathogenic for Primary ciliary dyskinesia. Last evaluated: 2024-02-24. Review status: criteria provided, single submitter. Criteria: Invitae Variant Classification Sherloc (09022015). Collection method: clinical testing. Allele origin: germline.
Comment: This sequence change affects a donor splice site in intron 34 of the DNAH11 gene. It is expected to disrupt RNA splicing. Variants that disrupt the donor or acceptor splice site typically lead to a loss of protein function (PMID: 16199547), and loss-of-function variants in DNAH11 are known to be pathogenic (PMID: 18022865, 20513915, 22184204). This variant is not present in population databases (gnomAD no frequency). Disruption of this splice site has been observed in individuals with dextrocardia and/or primary ciliary dyskinesia (PMID: 30919572, 32367404; Invitae). ClinVar contains an entry for this variant (Variation ID: 265099). Algorithms developed to predict the effect of sequence changes on RNA splicing suggest that this variant may disrupt the consensus splice site. For these reasons, this variant has been classified as Pathogenic.

GeneDx
Classification: Pathogenic. Last evaluated: 2022-04-22. Review status: criteria provided, single submitter. Criteria: GeneDx Variant Classification Process June 2021. Collection method: clinical testing. Allele origin: germline. Affected: yes.
Comment: Not observed in large population cohorts (gnomAD); Canonical splice site variant predicted to result in a null allele in a gene for which loss-of-function is a known mechanism of disease; This variant is associated with the following publications: (PMID: 30919572, 32367404)

Literature cited by the submitters: PubMed 16199547 (cited by Labcorp Genetics (formerly Invitae), Labcorp); PubMed 18022865 (cited by Labcorp Genetics (formerly Invitae), Labcorp); PubMed 20513915 (cited by Labcorp Genetics (formerly Invitae), Labcorp); PubMed 22184204 (cited by Labcorp Genetics (formerly Invitae), Labcorp); PubMed 30919572 (cited by Labcorp Genetics (formerly Invitae), Labcorp); PubMed 32367404 (cited by Labcorp Genetics (formerly Invitae), Labcorp).